The following is an entry in ClinVar:

NM_000215.4(JAK3):c.-36A>G

Gene: JAK3 (Janus kinase 3; minus strand). Cytogenetic location: 19p13.11.
Variant type: single nucleotide variant.
Coding change: c.-36A>G on transcript NM_000215.4 (MANE Select); 36 bases upstream of the start codon, A replaced by G.
Molecular consequence: 5 prime UTR variant.
Genome position (GRCh38, 1-based): chr19:17,847,968, T>C on the plus strand (A>G on the coding strand, the complement: JAK3 is on the minus strand). VCF-style: chr19-17847968-T-C. GRCh37 (hg19) VCF-style: chr19-17958777-T-C.
Identifiers: ClinVar variation 328525 (VCV000328525.11), dbSNP rs7254346, ClinGen allele CA10652320.
Genomic context (GRCh38, chr19:17,847,968, plus strand): 5'-GTGTCTGGGCCGAGCCCTGCGGCATCGCCAGCTCTTACCTAGCGGGCAGGGACCCTGGAC[T>C]TTCGAAGGGCGGGCAGAGCCGGGAGGCAGCGAGAGGAAAGTCCCACTCGGCTCCTTCCTG-3'

ClinVar aggregate classification (germline): Benign. Review status: criteria provided, multiple submitters, no conflicts (2 of 4 stars). 4 submissions from 4 submitters: Benign (4). Last evaluated 2024-01-24.

Conditions:
T-B+ severe combined immunodeficiency due to JAK3 deficiency. Also called: SCID, autosomal recessive, T-negative/B-positive type; SCID, T CELL-NEGATIVE, B CELL-POSITIVE, NK CELL-NEGATIVE. Identifiers: Orphanet 35078, MedGen C1833275, MONDO:0010938, OMIM 600802.

Allele frequency attached by ClinVar (database versions not stated): gnomAD exomes 0.08999; gnomAD 0.22186 and 0.22842; 1000 Genomes Project 0.28155; 1000 Genomes Project 30x 0.28810; TOPMed 0.24341.
gnomAD v4.1: 114,131 of 1,036,266 alleles (11%); highest among the groups gnomAD compares: African/African-American, 57%; 13,491 homozygotes.

Submissions (4):

Unidad de Genómica Garrahan, Hospital de Pediatría Garrahan
Classification: Benign. Last evaluated: 2024-01-24. Review status: criteria provided, single submitter. Criteria: ACMG Guidelines, 2015. Collection method: clinical testing. Allele origin: germline. Affected: no. Observed: 21 variant alleles.
Comment: This variant is classified as Benign based on local population frequency. This variant was detected in 22% of patients studied by a panel of primary immunodeficiencies. Number of patients: 21. Only high quality variants are reported.

Illumina Laboratory Services, Illumina
Classification: Benign for T-B+ severe combined immunodeficiency due to JAK3 deficiency. Last evaluated: 2018-01-12. Review status: criteria provided, single submitter. Criteria: ICSL Variant Classification Criteria 13 December 2019. Collection method: clinical testing. Allele origin: germline.
Comment: This variant was observed in the ICSL laboratory as part of a predisposition screen in an ostensibly healthy population. It had not been previously curated by ICSL or reported in the Human Gene Mutation Database (HGMD: prior to June 1st, 2018), and was therefore a candidate for classification through an automated scoring system. Utilizing variant allele frequency, disease prevalence and penetrance estimates, and inheritance mode, an automated score was calculated to assess if this variant is too frequent to cause the disease. Based on the score and internal cut-off values, a variant classified as benign is not then subjected to further curation. The score for this variant resulted in a classification of benign for this disease.

GeneDx
Classification: Benign. Last evaluated: 2015-03-03. Review status: criteria provided, single submitter. Criteria: GeneDx Variant Classification Process June 2021. Collection method: clinical testing. Allele origin: germline. Affected: yes.

Breakthrough Genomics
Classification: Benign. Review status: criteria provided, single submitter. Criteria: ACMG Guidelines, 2015. Collection method: not provided. Allele origin: germline. Inheritance: Autosomal recessive inheritance. Affected: yes.